The following is an entry in ClinVar:

NM_001142800.2(EYS):c.6782A>G (p.Asp2261Gly)

Gene: EYS (eyes shut homolog; minus strand). Cytogenetic location: 6q12.
Variant type: single nucleotide variant.
Coding change: c.6782A>G on transcript NM_001142800.2 (MANE Select); coding-DNA position 6782, A replaced by G.
Protein change: p.Asp2261Gly; replaces aspartic acid 2261 with glycine.
Molecular consequence: missense variant.
Genome position (GRCh38, 1-based): chr6:63,999,127, T>C on the plus strand (A>G on the coding strand, the complement: EYS is on the minus strand). VCF-style: chr6-63999127-T-C. GRCh37 (hg19) VCF-style: chr6-64709020-T-C.
Other names: c.6782A>G, p.Asp2261Gly (NM_001292009.2); short protein forms D2261G.
Identifiers: ClinVar variation 1024038 (VCV001024038.7), dbSNP rs893275648, ClinGen allele CA140268547.

ClinVar aggregate classification (germline): Uncertain significance. Review status: criteria provided, single submitter (1 of 4 stars). 2 submissions from 2 submitters: Uncertain significance (1). 1 of the submissions does not count toward it. Last evaluated 2024-01-08.

Conditions:
Retinitis pigmentosa 25 (RP25). Identifiers: Orphanet 791, MedGen C1864446, MONDO:0011272, OMIM 602772.

Allele frequency attached by ClinVar (database versions not stated): gnomAD exomes below 0.00001 and 0.00001.
gnomAD v4.1: 3 of 1,551,830 alleles (0.00019%); highest among the groups gnomAD compares: African/African-American, 0.0014%; no homozygotes.

Submissions (2):

Labcorp Genetics (formerly Invitae), Labcorp
Classification: Uncertain significance. Last evaluated: 2024-01-08. Review status: criteria provided, single submitter. Criteria: Invitae Variant Classification Sherloc (09022015). Collection method: clinical testing. Allele origin: germline.
Comment: This sequence change replaces aspartic acid, which is acidic and polar, with glycine, which is neutral and non-polar, at codon 2261 of the EYS protein (p.Asp2261Gly). This variant is present in population databases (no rsID available, gnomAD 0.01%). This variant has not been reported in the literature in individuals affected with EYS-related conditions. ClinVar contains an entry for this variant (Variation ID: 1024038). Advanced modeling of protein sequence and biophysical properties (such as structural, functional, and spatial information, amino acid conservation, physicochemical variation, residue mobility, and thermodynamic stability) has been performed at Invitae for this missense variant, however the output from this modeling did not meet the statistical confidence thresholds required to predict the impact of this variant on EYS protein function. In summary, the available evidence is currently insufficient to determine the role of this variant in disease. Therefore, it has been classified as a Variant of Uncertain Significance.

Natera, Inc.
Classification: Uncertain significance for Retinitis pigmentosa type 25. Last evaluated: 2021-01-14. Review status: no assertion criteria provided. Collection method: clinical testing. Allele origin: germline. Not counted in ClinVar's aggregate classification.